The following is an entry in ClinVar:

ClinVar aggregate classification (germline): Uncertain significance. Review status: criteria provided, multiple submitters, no conflicts (2 of 4 stars). 2 submissions from 2 submitters: Uncertain significance (2). Last evaluated 2025-11-03.

Conditions:
Colorectal cancer, hereditary nonpolyposis, type 7. Identifiers: Orphanet 144, MedGen C1858380, MONDO:0013725, OMIM 614385.

Submissions (2):

Labcorp Genetics (formerly Invitae), Labcorp
Classification: Uncertain significance for Colorectal cancer, hereditary nonpolyposis, type 7. Last evaluated: 2025-11-03. Review status: criteria provided, single submitter. Criteria: Invitae Variant Classification Sherloc (09022015). Collection method: clinical testing. Allele origin: germline.
Comment: This sequence change replaces glycine, which is neutral and non-polar, with arginine, which is basic and polar, at codon 143 of the MLH3 protein (p.Gly143Arg). This variant is not present in population databases (gnomAD no frequency). This variant has not been reported in the literature in individuals affected with MLH3-related conditions. ClinVar contains an entry for this variant (Variation ID: 3232572). An algorithm developed to predict the effect of missense changes on protein structure and function (PolyPhen-2) suggests that this variant is likely to be disruptive. In summary, the available evidence is currently insufficient to determine the role of this variant in disease. Therefore, it has been classified as a Variant of Uncertain Significance.

Ambry Genetics
Classification: Uncertain significance. Last evaluated: 2023-12-22. Review status: criteria provided, single submitter. Criteria: Ambry Variant Classification Scheme 2023. Collection method: clinical testing. Allele origin: germline.
Comment: The p.G143R variant (also known as c.427G>A), located in coding exon 1 of the MLH3 gene, results from a G to A substitution at nucleotide position 427. The glycine at codon 143 is replaced by arginine, an amino acid with dissimilar properties. This amino acid position is conserved. In addition, this alteration is predicted to be deleterious by in silico analysis. Since supporting evidence is limited at this time, the clinical significance of this alteration remains unclear.

NM_001040108.2(MLH3):c.427G>A (p.Gly143Arg)

Gene: MLH3 (mutL homolog 3; minus strand). Cytogenetic location: 14q24.3.
Variant type: single nucleotide variant.
Coding change: c.427G>A on transcript NM_001040108.2 (MANE Select); coding-DNA position 427, G replaced by A.
Protein change: p.Gly143Arg; replaces glycine 143 with arginine.
Molecular consequence: missense variant.
Genome position (GRCh38, 1-based): chr14:75,049,229, C>T on the plus strand (G>A on the coding strand, the complement: MLH3 is on the minus strand). VCF-style: chr14-75049229-C-T. GRCh37 (hg19) VCF-style: chr14-75515932-C-T.
Other names: c.427G>A, p.Gly143Arg (NM_014381.3); short protein forms G143R.
Identifiers: ClinVar variation 3232572 (VCV003232572.3), dbSNP rs2503328562, ClinGen allele CA390450374.